The following is an entry in ClinVar:

NM_001243133.2(NLRP3):c.1698C>T (p.Phe566=)

Gene: NLRP3 (NLR family pyrin domain containing 3; plus strand). Cytogenetic location: 1q44.
Variant type: single nucleotide variant.
Coding change: c.1698C>T on transcript NM_001243133.2 (MANE Select); coding-DNA position 1698, C replaced by T.
Protein change: p.Phe566=; no amino-acid change (phenylalanine 566 retained).
Molecular consequence: synonymous variant.
Genome position (GRCh38, 1-based): chr1:247,425,147, C>T. VCF-style: chr1-247425147-C-T. GRCh37 (hg19) VCF-style: chr1-247588449-C-T.
Other names: c.1698C>T, p.Phe566= (NM_001079821.3, NM_001127461.3, NM_001127462.3 and 1 more transcripts); c.1704C>T, p.Phe568= (NM_004895.5).
Identifiers: ClinVar variation 3050133 (VCV003050133.5), dbSNP rs750708367, ClinGen allele CA1495064.
Genomic context (GRCh38, chr1:247,425,147, plus strand): 5'-GAGTCGTTTGAAGCTTCCCAGCCGAGACGTGACAGTCCTTCTGGAAAACTATGGCAAATT[C>T]GAAAAGGGGTATTTGATTTTTGTTGTACGTTTCCTCTTTGGCCTGGTAAACCAGGAGAGG-3'
Protein context (NP_001230062.1, residues 556-576): VTVLLENYGK[Phe566=]EKGYLIFVVR

ClinVar aggregate classification (germline): Likely benign. Review status: criteria provided, multiple submitters, no conflicts (2 of 4 stars). 3 submissions from 3 submitters: Likely benign (2). 1 of the submissions does not count toward it. Last evaluated 2024-12-15.

Conditions:
NLRP3-related disorder. Also called: NLRP3-related condition; NLRP3-Related Disorders.
Cryopyrin associated periodic syndrome (CAPS). Identifiers: Orphanet 208650, MedGen C2316212, MONDO:0016168.

Allele frequency attached by ClinVar (database versions not stated): gnomAD exomes 0.00001; ExAC 0.00002; gnomAD 0.00002; TOPMed 0.00002.
gnomAD v4.1: 16 of 1,613,514 alleles (0.00099%); highest among the groups gnomAD compares: East Asian, 0.0089%; no homozygotes.

Submissions (3):

Labcorp Genetics (formerly Invitae), Labcorp
Classification: Likely benign for Cryopyrin associated periodic syndrome. Last evaluated: 2024-12-15. Review status: criteria provided, single submitter. Criteria: Invitae Variant Classification Sherloc (09022015). Collection method: clinical testing. Allele origin: germline.

Blueprint Genetics
Classification: Likely benign. Last evaluated: 2020-08-04. Review status: criteria provided, single submitter. Criteria: ACMG Guidelines, 2015. Collection method: clinical testing. Allele origin: germline.

PreventionGenetics, part of Exact Sciences
Classification: Likely benign for NLRP3-related condition. Last evaluated: 2023-07-21. Review status: no assertion criteria provided. Collection method: clinical testing. Allele origin: germline. Not counted in ClinVar's aggregate classification.
Comment: This variant is classified as likely benign based on ACMG/AMP sequence variant interpretation guidelines (Richards et al. 2015 PMID: 25741868, with internal and published modifications).